The following is an entry in ClinVar:

NM_000426.4(LAMA2):c.6538G>A (p.Asp2180Asn)

Gene: LAMA2 (laminin subunit alpha 2; plus strand). Cytogenetic location: 6q22.33.
Variant type: single nucleotide variant.
Coding change: c.6538G>A on transcript NM_000426.4 (MANE Select); coding-DNA position 6538, G replaced by A.
Protein change: p.Asp2180Asn; replaces aspartic acid 2180 with asparagine.
Molecular consequence: missense variant.
Genome position (GRCh38, 1-based): chr6:129,453,096, G>A. VCF-style: chr6-129453096-G-A. GRCh37 (hg19) VCF-style: chr6-129774241-G-A.
Other names: c.6538G>A, p.Asp2180Asn (NM_001079823.2); short protein forms D2180N.
Identifiers: ClinVar variation 846502 (VCV000846502.4), dbSNP rs1419565673, ClinGen allele CA365616722.

ClinVar aggregate classification (germline): Uncertain significance (1 of 4 stars; one submission).

Conditions:
LAMA2-related muscular dystrophy (LAMA2-RD). Also called: Laminin alpha 2-related dystrophy. Identifiers: MedGen C5679788, MONDO:0100228.

Allele frequency attached by ClinVar (database versions not stated): TOPMed below 0.00001; gnomAD 0.00001.
gnomAD v4.1: 16 of 1,612,934 alleles (0.00099%); highest among the groups gnomAD compares: Middle Eastern, 0.017%; no homozygotes.

Submission:

Labcorp Genetics (formerly Invitae), Labcorp
Classification: Uncertain significance for LAMA2-related muscular dystrophy. Last evaluated: 2021-09-29. Review status: criteria provided, single submitter. Criteria: Invitae Variant Classification Sherloc (09022015). Collection method: clinical testing. Allele origin: germline.
Comment: This sequence change replaces aspartic acid with asparagine at codon 2180 of the LAMA2 protein (p.Asp2180Asn). The aspartic acid residue is moderately conserved and there is a small physicochemical difference between aspartic acid and asparagine. This variant is not present in population databases (ExAC no frequency). This variant has not been reported in the literature in individuals affected with LAMA2-related conditions. Algorithms developed to predict the effect of missense changes on protein structure and function are either unavailable or do not agree on the potential impact of this missense change (SIFT: "Tolerated"; PolyPhen-2: "Probably Damaging"; Align-GVGD: "Class C0"). In summary, the available evidence is currently insufficient to determine the role of this variant in disease. Therefore, it has been classified as a Variant of Uncertain Significance.